The following is an entry in ClinVar:

ClinVar aggregate classification (germline): Uncertain significance (1 of 4 stars; one submission).

Conditions:
Mucopolysaccharidosis, MPS-IV-A (MPS4A). Also called: Mucopolysaccharidosis type IV A; Mucopolysaccharidosis Type IVA; Morquio syndrome A, mild; MORQUIO SYNDROME A; MPS IVA; mucopolysaccharidosis type 4A. Identifiers: Orphanet 309297, Orphanet 582, MedGen C0086651, MONDO:0009659, OMIM 253000.

Submission:

Laboratory of Diagnosis and Therapy of Lysosomal Disorders, University of Padova
Classification: Uncertain significance for Mucopolysaccharidosis, MPS-IV-A. Last evaluated: 2021-02-01. Review status: criteria provided, single submitter. Criteria: ACMG Guidelines, 2015. Collection method: curation. Allele origin: germline. Affected: yes.
Comment: Located in a mutational hot spot and/or critical and well-established functional domain without benign variation (PM1_moderate); absent from gnomAD v2.1.1 (PM2_moderate); multiple lines of computational evidence support a deleterious effect on the gene (PP3_supporting)

Literature cited by the submitters: PubMed 27825773; PubMed 34387910.

NM_000512.5(GALNS):c.119A>G (p.Asp40Gly)

Genes: GALNS (galactosamine (N-acetyl)-6-sulfatase; minus strand), TRAPPC2L (trafficking protein particle complex subunit 2L; plus strand), LOC130059762 (ATAC-STARR-seq lymphoblastoid silent region 7883; plus strand). Cytogenetic location: 16q24.3.
Variant type: single nucleotide variant.
Coding change: c.119A>G on transcript NM_000512.5 (MANE Select); coding-DNA position 119, A replaced by G.
Protein change: p.Asp40Gly; replaces aspartic acid 40 with glycine.
Molecular consequence: missense variant. On other transcripts: 5 prime UTR variant (2).
Genome position (GRCh38, 1-based): chr16:88,856,759, T>C on the plus strand (A>G on the coding strand, the complement: GALNS is on the minus strand). VCF-style: chr16-88856759-T-C. GRCh37 (hg19) VCF-style: chr16-88923167-T-C.
Other names: c.-313A>G (NM_001323543.2); c.-34A>G (NM_001323544.2); short protein forms D40G.
Identifiers: ClinVar variation 1048369 (VCV001048369.3), dbSNP rs1967935467, ClinGen allele CA397100962.